The following is an entry in ClinVar:

NM_001114753.3(ENG):c.907G>T (p.Ala303Ser)

Gene: ENG (endoglin; minus strand). Cytogenetic location: 9q34.11.
Variant type: single nucleotide variant.
Coding change: c.907G>T on transcript NM_001114753.3 (MANE Select); coding-DNA position 907, G replaced by T.
Protein change: p.Ala303Ser; replaces alanine 303 with serine.
Molecular consequence: missense variant.
Genome position (GRCh38, 1-based): chr9:127,824,884, C>A on the plus strand (G>T on the coding strand, the complement: ENG is on the minus strand). VCF-style: chr9-127824884-C-A. GRCh37 (hg19) VCF-style: chr9-130587163-C-A.
Other names: c.907G>T, p.Ala303Ser (NM_000118.4, NM_001406715.1); c.361G>T, p.Ala121Ser (NM_001278138.2); short protein forms A121S, A303S.
Identifiers: ClinVar variation 4870457 (VCV004870457.1).

ClinVar aggregate classification (germline): Uncertain significance (1 of 4 stars; one submission).

Conditions:
Cardiovascular phenotype. Identifiers: MedGen CN230736.

Submission:

Ambry Genetics
Classification: Uncertain significance for Cardiovascular phenotype. Last evaluated: 2026-04-23. Review status: criteria provided, single submitter. Criteria: Ambry Variant Classification Scheme 2023. Collection method: clinical testing. Allele origin: germline.
Comment: The p.A303S variant (also known as c.907G>T), located in coding exon 7 of the ENG gene, results from a G to T substitution at nucleotide position 907. The alanine at codon 303 is replaced by serine, an amino acid with similar properties. This amino acid position is conserved. In addition, this alteration is predicted to be tolerated by in silico analysis. Based on the available evidence, the clinical significance of this variant remains unclear.